The following is an entry in ClinVar:

ClinVar aggregate classification (germline): Uncertain significance (0 of 4 stars; one submission).

Conditions:
ANKRD11-related disorder. Also called: ANKRD11-related condition.

gnomAD v4.1: 2 of 1,610,420 alleles (0.00012%); highest among the groups gnomAD compares: Non-Finnish European, 0.00017%; no homozygotes.

Submission:

PreventionGenetics, part of Exact Sciences
Classification: Uncertain significance for ANKRD11-related condition. Last evaluated: 2024-06-19. Review status: no assertion criteria provided. Collection method: clinical testing. Allele origin: germline.
Comment: The ANKRD11 c.2918G>T variant is predicted to result in the amino acid substitution p.Arg973Leu. To our knowledge, this variant has not been reported in the literature or in a large population database, indicating this variant is rare. At this time, the clinical significance of this variant is uncertain due to the absence of conclusive functional and genetic evidence.

NM_013275.6(ANKRD11):c.2918G>T (p.Arg973Leu)

Gene: ANKRD11 (ankyrin repeat domain containing 11; minus strand). Cytogenetic location: 16q24.3.
Variant type: single nucleotide variant.
Coding change: c.2918G>T on transcript NM_013275.6 (MANE Select); coding-DNA position 2918, G replaced by T.
Protein change: p.Arg973Leu; replaces arginine 973 with leucine.
Molecular consequence: missense variant.
Genome position (GRCh38, 1-based): chr16:89,283,624, C>A on the plus strand (G>T on the coding strand, the complement: ANKRD11 is on the minus strand). VCF-style: chr16-89283624-C-A. GRCh37 (hg19) VCF-style: chr16-89350032-C-A.
Other names: c.2918G>T, p.Arg973Leu (NM_001256182.2, NM_001256183.2); short protein forms R973L.
Identifiers: ClinVar variation 3353319 (VCV003353319.1).